The following is an entry in ClinVar:

NM_005267.5(GJA8):c.736G>T (p.Glu246Ter)

Gene: GJA8 (gap junction protein alpha 8; plus strand). Cytogenetic location: 1q21.2.
Variant type: single nucleotide variant.
Coding change: c.736G>T on transcript NM_005267.5 (MANE Select); coding-DNA position 736, G replaced by T.
Protein change: p.Glu246Ter; replaces glutamic acid 246 with a stop codon.
Molecular consequence: nonsense.
Genome position (GRCh38, 1-based): chr1:147,908,691, G>T. VCF-style: chr1-147908691-G-T. GRCh37 (hg19) VCF-style: chr1-147380818-G-T.
Other names: short protein forms E246*.
Identifiers: ClinVar variation 2574827 (VCV002574827.1), dbSNP rs782610609, ClinGen allele CA1066000.

ClinVar aggregate classification (germline): Uncertain significance (1 of 4 stars; one submission).

Allele frequency attached by ClinVar (database versions not stated): ExAC 0.00001.

Submission:

GeneDx
Classification: Uncertain significance. Last evaluated: 2023-02-02. Review status: criteria provided, single submitter. Criteria: GeneDx Variant Classification Process June 2021. Collection method: clinical testing. Allele origin: germline. Affected: yes.
Comment: Nonsense variant predicted to result in protein truncation as the last 188 amino acids are lost; Not observed at significant frequency in large population cohorts (gnomAD); Has not been previously published as pathogenic or benign to our knowledge; This variant is associated with the following publications: (PMID: 27787559)